The following is an entry in ClinVar:

ClinVar aggregate classification (germline): Uncertain significance (1 of 4 stars; one submission).

Conditions:
Inborn genetic diseases. Identifiers: MedGen C0950123, MeSH D030342.

Submission:

Ambry Genetics
Classification: Uncertain significance for Inborn genetic diseases. Last evaluated: 2020-07-07. Review status: criteria provided, single submitter. Criteria: Ambry Variant Classification Scheme 2023. Collection method: clinical testing. Allele origin: germline.
Comment: The p.R1179P variant (also known as c.3536G>C), located in coding exon 27 of the SBF2 gene, results from a G to C substitution at nucleotide position 3536. The arginine at codon 1179 is replaced by proline, an amino acid with dissimilar properties. This amino acid position is highly conserved in available vertebrate species. In addition, this alteration is predicted to be deleterious by in silico analysis. Since supporting evidence is limited at this time, the clinical significance of this alteration remains unclear.

NM_030962.4(SBF2):c.3536G>C (p.Arg1179Pro)

Gene: SBF2 (SET binding factor 2; minus strand). Cytogenetic location: 11p15.4.
Variant type: single nucleotide variant.
Coding change: c.3536G>C on transcript NM_030962.4 (MANE Select); coding-DNA position 3536, G replaced by C.
Protein change: p.Arg1179Pro; replaces arginine 1179 with proline.
Molecular consequence: missense variant.
Genome position (GRCh38, 1-based): chr11:9,832,340, C>G on the plus strand (G>C on the coding strand, the complement: SBF2 is on the minus strand). VCF-style: chr11-9832340-C-G. GRCh37 (hg19) VCF-style: chr11-9853887-C-G.
Other names: c.3536G>C, p.Arg1179Pro (NM_001386339.1); c.3407G>C, p.Arg1136Pro (NM_001386342.1); short protein forms R1179P, R1136P.
Identifiers: ClinVar variation 1732404 (VCV001732404.2), dbSNP rs751750978, ClinGen allele CA379645688.